The following is an entry in ClinVar:

NM_153252.5(BRWD3):c.3016G>T (p.Ala1006Ser)

Gene: BRWD3 (bromodomain and WD repeat domain containing 3; minus strand). Cytogenetic location: Xq21.1.
Variant type: single nucleotide variant.
Coding change: c.3016G>T on transcript NM_153252.5 (MANE Select); coding-DNA position 3016, G replaced by T.
Protein change: p.Ala1006Ser; replaces alanine 1006 with serine.
Molecular consequence: missense variant.
Genome position (GRCh38, 1-based): chrX:80,696,791, C>A on the plus strand (G>T on the coding strand, the complement: BRWD3 is on the minus strand). VCF-style: chrX-80696791-C-A. GRCh37 (hg19) VCF-style: chrX-79952290-C-A.
Other names: short protein forms A1006S.
Identifiers: ClinVar variation 3769736 (VCV003769736.1).

ClinVar aggregate classification (germline): Uncertain significance (1 of 4 stars; one submission).

Submission:

GeneDx
Classification: Uncertain significance. Last evaluated: 2024-09-13. Review status: criteria provided, single submitter. Criteria: GeneDx Variant Classification Process June 2021. Collection method: clinical testing. Allele origin: germline. Affected: yes.
Comment: Not observed at significant frequency in large population cohorts (gnomAD); In silico analysis indicates that this missense variant does not alter protein structure/function; Has not been previously published as pathogenic or benign to our knowledge